The following is an entry in ClinVar:

ClinVar aggregate classification (germline): Conflicting classifications of pathogenicity. Review status: criteria provided, conflicting classifications (1 of 4 stars). 8 submissions from 8 submitters: Uncertain significance (4); Likely benign (1). 3 of the submissions do not count toward it. Last evaluated 2025-10-11.

Conditions:
PLEC-related disorder. Also called: PLEC-related condition; PLEC-related disorders.
Epidermolysis bullosa simplex 5B, with muscular dystrophy (EBS5B). Also called: EPIDERMOLYSIS BULLOSA SIMPLEX AND LIMB-GIRDLE MUSCULAR DYSTROPHY; Epidermolysis bullosa simplex with muscular dystrophy. Identifiers: Orphanet 257, MedGen C2931072, MONDO:0009181, OMIM 226670.
Epidermolysis bullosa simplex with nail dystrophy (EBS5D). Identifiers: MedGen C4225309, MONDO:0014661, OMIM 616487.
Autosomal recessive limb-girdle muscular dystrophy type 2Q (LGMDR17). Also called: MUSCULAR DYSTROPHY, LIMB-GIRDLE, AUTOSOMAL RECESSIVE 17. Identifiers: Orphanet 254361, MedGen C3150989, MONDO:0013390, OMIM 613723.
Epidermolysis bullosa simplex 5C, with pyloric atresia (EBS5C). Also called: PLEC1-Related Epidermolysis Bullosa with Pyloric Atresia; PLEC-Related Epidermolysis Bullosa with Pyloric Atresia; Epidermolysis bullosa simplex with pyloric atresia. Identifiers: Orphanet 158684, MedGen C2677349, MONDO:0012807, OMIM 612138.
Epidermolysis bullosa simplex, Ogna type (EBS5A). Also called: Pidermolysis bullosa simplex 5A, Ogna type; EPIDERMOLYSIS BULLOSA SIMPLEX 5A, OGNA TYPE. Identifiers: Orphanet 79401, MedGen C0432317, MONDO:0007555, OMIM 131950.

Allele frequency attached by ClinVar (database versions not stated): ExAC 0.00014; TOPMed 0.00015; 1000 Genomes Project 0.00040; 1000 Genomes Project 30x 0.00047.
gnomAD v4.1: 366 of 1,592,722 alleles (0.023%); highest among the groups gnomAD compares: South Asian, 0.038%; no homozygotes.

Submissions (8):

Labcorp Genetics (formerly Invitae), Labcorp
Classification: Uncertain significance for Autosomal recessive limb-girdle muscular dystrophy type 2Q; Epidermolysis bullosa simplex, Ogna type; Epidermolysis bullosa simplex with nail dystrophy; Epidermolysis bullosa simplex 5C, with pyloric atresia; Epidermolysis bullosa simplex 5B, with muscular dystrophy. Last evaluated: 2025-10-11. Review status: criteria provided, single submitter. Criteria: Invitae Variant Classification Sherloc (09022015). Collection method: clinical testing. Allele origin: germline.
Comment: This sequence change replaces valine, which is neutral and non-polar, with methionine, which is neutral and non-polar, at codon 2017 of the PLEC protein (p.Val2017Met). This variant is present in population databases (rs201588551, gnomAD 0.04%). This variant has not been reported in the literature in individuals affected with PLEC-related conditions. ClinVar contains an entry for this variant (Variation ID: 284101). Invitae Evidence Modeling of protein sequence and biophysical properties (such as structural, functional, and spatial information, amino acid conservation, physicochemical variation, residue mobility, and thermodynamic stability) has been performed for this missense variant. However, the output from this modeling did not meet the statistical confidence thresholds required to predict the impact of this variant on PLEC protein function. In summary, the available evidence is currently insufficient to determine the role of this variant in disease. Therefore, it has been classified as a Variant of Uncertain Significance.

Revvity Omics, Revvity
Classification: Uncertain significance. Last evaluated: 2024-04-02. Review status: criteria provided, single submitter. Criteria: ACMG Guidelines, 2015. Collection method: clinical testing. Allele origin: germline.

CENTOGENE GmbH and LLC - Guiding Precision Medicine
Classification: Uncertain significance for Autosomal recessive limb-girdle muscular dystrophy type 2Q. Last evaluated: 2020-08-29. Review status: criteria provided, single submitter. Criteria: ACMG Guidelines, 2015. Collection method: clinical testing. Allele origin: germline. Affected: yes.

GeneDx
Classification: Likely benign. Last evaluated: 2019-07-02. Review status: criteria provided, single submitter. Criteria: GeneDx Variant Classification Process June 2021. Collection method: clinical testing. Allele origin: germline. Affected: yes.

Eurofins Ntd Llc (ga)
Classification: Uncertain significance. Last evaluated: 2015-10-16. Review status: criteria provided, single submitter. Criteria: EGL Classification Definitions 2015. Collection method: clinical testing. Allele origin: germline. Observed: 3 variant alleles, 3 heterozygotes.

PreventionGenetics, part of Exact Sciences
Classification: Uncertain significance for PLEC-related condition. Last evaluated: 2024-09-13. Review status: no assertion criteria provided. Collection method: clinical testing. Allele origin: germline. Not counted in ClinVar's aggregate classification.
Comment: The PLEC c.6049G>A variant is predicted to result in the amino acid substitution p.Val2017Met. To our knowledge, this variant has not been reported in the literature. This variant is reported in 0.044% of alleles in individuals of South Asian descent in gnomAD. At this time, the clinical significance of this variant is uncertain due to the absence of conclusive functional and genetic evidence.

Clinical Genetics DNA and cytogenetics Diagnostics Lab, Erasmus MC, Erasmus Medical Center
Classification: Uncertain significance. Review status: no assertion criteria provided. Collection method: clinical testing. Allele origin: germline. Affected: yes. Study: VKGL Data-share Consensus. Not counted in ClinVar's aggregate classification.

Genome Diagnostics Laboratory, Amsterdam University Medical Center
Classification: Uncertain significance. Review status: no assertion criteria provided. Collection method: clinical testing. Allele origin: germline. Affected: yes. Study: VKGL Data-share Consensus. Not counted in ClinVar's aggregate classification.

NM_201384.3(PLEC):c.5968G>A (p.Val1990Met)

Gene: PLEC (plectin; minus strand). Cytogenetic location: 8q24.3.
Variant type: single nucleotide variant.
Coding change: c.5968G>A on transcript NM_201384.3 (MANE Select); coding-DNA position 5968, G replaced by A.
Protein change: p.Val1990Met; replaces valine 1990 with methionine.
Molecular consequence: missense variant.
Genome position (GRCh38, 1-based): chr8:143,923,961, C>T on the plus strand (G>A on the coding strand, the complement: PLEC is on the minus strand). VCF-style: chr8-143923961-C-T. GRCh37 (hg19) VCF-style: chr8-144998129-C-T.
Other names: c.6049G>A, p.Val2017Met (NM_000445.5); c.5926G>A, p.Val1976Met (NM_201378.4); c.5902G>A, p.Val1968Met (NM_201379.3); c.6379G>A, p.Val2127Met (NM_201380.4); c.5872G>A, p.Val1958Met (NM_201381.3); c.5968G>A, p.Val1990Met (NM_201382.4); c.5980G>A, p.Val1994Met (NM_201383.3); short protein forms V1958M, V1976M, V2017M, V1968M, V1990M, V1994M, V2127M.
Identifiers: ClinVar variation 284101 (VCV000284101.20), dbSNP rs201588551, ClinGen allele CA4926163.